The following is an entry in ClinVar:

ClinVar aggregate classification (germline): Likely benign (0 of 4 stars; one submission).

Conditions:
CDC5L-related disorder. Also called: CDC5L-related condition.

Allele frequency attached by ClinVar (database versions not stated): TOPMed 0.00001; gnomAD 0.00003; gnomAD exomes 0.00003; ExAC 0.00006; 1000 Genomes Project 30x 0.00031; 1000 Genomes Project 0.00040.

Submission:

PreventionGenetics, part of Exact Sciences
Classification: Likely benign for CDC5L-related condition. Last evaluated: 2021-05-19. Review status: no assertion criteria provided. Collection method: clinical testing. Allele origin: germline.
Comment: This variant is classified as likely benign based on ACMG/AMP sequence variant interpretation guidelines (Richards et al. 2015 PMID: 25741868, with internal and published modifications).

NM_001253.4(CDC5L):c.1500G>A (p.Lys500=)

Gene: CDC5L (cell division cycle 5 like; plus strand). Cytogenetic location: 6p21.1.
Variant type: single nucleotide variant.
Coding change: c.1500G>A on transcript NM_001253.4 (MANE Select); coding-DNA position 1500, G replaced by A.
Protein change: p.Lys500=; no amino-acid change (lysine 500 retained).
Molecular consequence: synonymous variant.
Genome position (GRCh38, 1-based): chr6:44,424,514, G>A. VCF-style: chr6-44424514-G-A. GRCh37 (hg19) VCF-style: chr6-44392251-G-A.
Identifiers: ClinVar variation 3043490 (VCV003043490.2), dbSNP rs548309345, ClinGen allele CA3835473.